The following is an entry in ClinVar:

ClinVar aggregate classification (germline): Uncertain significance (1 of 4 stars; one submission).

Allele frequency attached by ClinVar (database versions not stated): gnomAD exomes 0.00001; TOPMed 0.00001.
gnomAD v4.1: 13 of 1,614,156 alleles (0.00081%); highest among the groups gnomAD compares: East Asian, 0.0067%; no homozygotes.

Submission:

Labcorp Genetics (formerly Invitae), Labcorp
Classification: Uncertain significance. Last evaluated: 2021-12-03. Review status: criteria provided, single submitter. Criteria: Invitae Variant Classification Sherloc (09022015). Collection method: clinical testing. Allele origin: germline.
Comment: This sequence change replaces threonine, which is neutral and polar, with methionine, which is neutral and non-polar, at codon 595 of the MAK protein (p.Thr595Met). This variant is present in population databases (no rsID available, gnomAD 0.006%). This variant has not been reported in the literature in individuals affected with MAK-related conditions. ClinVar contains an entry for this variant (Variation ID: 1011692). Experimental studies and prediction algorithms are not available or were not evaluated, and the functional significance of this variant is currently unknown. In summary, the available evidence is currently insufficient to determine the role of this variant in disease. Therefore, it has been classified as a Variant of Uncertain Significance.

NM_001242957.3(MAK):c.1784C>T (p.Thr595Met)

Gene: MAK (male germ cell associated kinase; minus strand). Cytogenetic location: 6p24.2.
Variant type: single nucleotide variant.
Coding change: c.1784C>T on transcript NM_001242957.3 (MANE Select); coding-DNA position 1784, C replaced by T.
Protein change: p.Thr595Met; replaces threonine 595 with methionine.
Molecular consequence: missense variant. On other transcripts: non-coding transcript variant (2), intron variant (2).
Genome position (GRCh38, 1-based): chr6:10,770,119, G>A on the plus strand (C>T on the coding strand, the complement: MAK is on the minus strand). VCF-style: chr6-10770119-G-A. GRCh37 (hg19) VCF-style: chr6-10770352-G-A.
Other names: c.1709C>T, p.Thr570Met (NM_005906.6); c.1495+5209C>T (NM_001377262.1); c.1597+5209C>T (NM_001242385.2); short protein forms T570M, T595M.
Identifiers: ClinVar variation 1011692 (VCV001011692.4), dbSNP rs1367333036, ClinGen allele CA362714295.